The following is an entry in ClinVar:

ClinVar aggregate classification (germline): Pathogenic/Likely pathogenic. Review status: criteria provided, multiple submitters, no conflicts (2 of 4 stars). 3 submissions from 3 submitters: Pathogenic (2); Likely pathogenic (1). Last evaluated 2024-06-24.

Conditions:
Renal tubular dysgenesis of genetic origin. Also called: PRIMITIVE RENAL TUBULE SYNDROME. Identifiers: Orphanet 97369, MedGen C5681536, MONDO:0009970, OMIM 267430.

Allele frequency attached by ClinVar (database versions not stated): gnomAD exomes below 0.00001.
gnomAD v4.1: 2 of 1,610,102 alleles (0.00012%); highest among the groups gnomAD compares: South Asian, 0.0011%; no homozygotes.

Submissions (3):

Labcorp Genetics (formerly Invitae), Labcorp
Classification: Pathogenic. Last evaluated: 2024-06-24. Review status: criteria provided, single submitter. Criteria: Invitae Variant Classification Sherloc (09022015). Collection method: clinical testing. Allele origin: germline.
Comment: This sequence change creates a premature translational stop signal (p.Arg174*) in the AGTR1 gene. While this is not anticipated to result in nonsense mediated decay, it is expected to disrupt the last 221 amino acid(s) of the AGTR1 protein. This variant is not present in population databases (gnomAD no frequency). This variant has not been reported in the literature in individuals affected with AGTR1-related conditions. ClinVar contains an entry for this variant (Variation ID: 2430252). This variant disrupts a region of the AGTR1 protein in which other variant(s) (p.Asn235Lysfs*28) have been determined to be pathogenic (PMID: 16116425, 28973083; Invitae). This suggests that this is a clinically significant region of the protein, and that variants that disrupt it are likely to be disease-causing. For these reasons, this variant has been classified as Pathogenic.

Human Genetics Section, Sidra Medicine
Classification: Likely pathogenic for Renal tubular dysgenesis of genetic origin. Last evaluated: 2023-08-01. Review status: criteria provided, single submitter. Criteria: ACMG Guidelines, 2015. Collection method: clinical testing. Allele origin: germline. Inheritance: Autosomal recessive inheritance. Affected: yes. Observed: 1 homozygote.
Comment: The variant p.Arg139* in the AGTR1 gene has been reported under the accession (RCV003128377.1) in a patient with renal tubular dysgenesis. The variant is not reported in the genetic variant databases, i.e. gnomAD, ExAC, 1000 Genomes project, Greater Middle East genome project, and an internal 1000 Qatari genomes. In-silico prediction tools suggest the variant disrupts the normal protein function. The variant p.Arg139* meets the criteria of being classified as pathogenic, however, as more functional evidence is required to prove that, we classify the variant as likely pathogenic.

Institute of Human Genetics, University of Leipzig Medical Center
Classification: Pathogenic for Renal tubular dysgenesis of genetic origin. Last evaluated: 2023-01-02. Review status: criteria provided, single submitter. Criteria: ACMG Guidelines, 2015. Collection method: clinical testing. Allele origin: inherited. Affected: yes.
Comment: This variant was identified as homozygous._x000D_ Criteria applied: PVS1, PM2_SUP, PM3_SUP

Literature cited by the submitters: PubMed 16116425 (cited by Labcorp Genetics (formerly Invitae), Labcorp); PubMed 28973083 (cited by Labcorp Genetics (formerly Invitae), Labcorp).

NM_000685.5(AGTR1):c.415C>T (p.Arg139Ter)

Gene: AGTR1 (angiotensin II receptor type 1; plus strand). Cytogenetic location: 3q24.
Variant type: single nucleotide variant.
Coding change: c.415C>T on transcript NM_000685.5 (MANE Select); coding-DNA position 415, C replaced by T.
Protein change: p.Arg139Ter; replaces arginine 139 with a stop codon.
Molecular consequence: nonsense.
Genome position (GRCh38, 1-based): chr3:148,741,450, C>T. VCF-style: chr3-148741450-C-T. GRCh37 (hg19) VCF-style: chr3-148459237-C-T.
Other names: AGTR1; c.415C>T, p.Arg139Ter (NM_001382736.1, NM_001382737.1, NM_004835.5 and 3 more transcripts); short protein forms R139*.
Identifiers: ClinVar variation 2430252 (VCV002430252.5), dbSNP rs1417391173, ClinGen allele CA354887281.